The following is an entry in ClinVar:

ClinVar aggregate classification (germline): Pathogenic (1 of 4 stars; one submission).

Conditions:
Neurofibromatosis, type 1 (NF1). Also called: Peripheral type neurofibromatosis; VON RECKLINGHAUSEN DISEASE; Neurofibromatosis, type I; NEUROFIBROMATOSIS, TYPE I, SOMATIC. Identifiers: Orphanet 636, MedGen C0027831, MONDO:0018975, OMIM 162200. Disease mechanism: loss of function.

Submission:

Labcorp Genetics (formerly Invitae), Labcorp
Classification: Pathogenic for Neurofibromatosis, type 1. Last evaluated: 2024-05-02. Review status: criteria provided, single submitter. Criteria: Invitae Variant Classification Sherloc (09022015). Collection method: clinical testing. Allele origin: germline.
Comment: This sequence change creates a premature translational stop signal (p.Ser2311Glnfs*14) in the NF1 gene. It is expected to result in an absent or disrupted protein product. Loss-of-function variants in NF1 are known to be pathogenic (PMID: 10712197, 23913538). This variant is not present in population databases (gnomAD no frequency). This premature translational stop signal has been observed in individual(s) with neurofibromatosis type 1 (PMID: 35240321). For these reasons, this variant has been classified as Pathogenic.

Literature cited by the submitters: PubMed 10712197; PubMed 23913538; PubMed 35240321.

NM_001042492.3(NF1):c.6994del (p.Ser2332fs)

Gene: NF1 (neurofibromin 1; plus strand). Cytogenetic location: 17q11.2.
Variant type: Deletion.
Coding change: c.6994del on transcript NM_001042492.3 (MANE Select); coding-DNA position 6994, one base deleted (T; older notation c.6994delT).
Protein change: p.Ser2332fs; shifts the reading frame from serine 2332.
Molecular consequence: frameshift variant.
Genome position (GRCh38, 1-based): chr17:31,340,577, T deleted; the last of 2 consecutive T bases (chr17:31,340,576-31,340,577); deleting either gives the same sequence. VCF-style (leftmost placement, unchanged base first): chr17-31340575-AT-A. GRCh37 (hg19) VCF-style: chr17-29667593-AT-A.
Other names: c.6931delT, p.Ser2311Glnfs (NM_000267.4); short protein forms S2311fs, S2332fs.
Identifiers: ClinVar variation 3645143 (VCV003645143.2).